The following is an entry in ClinVar:

NM_001005373.4(LRSAM1):c.961C>T (p.Arg321Trp)

Gene: LRSAM1 (leucine rich repeat and sterile alpha motif containing 1; plus strand). Cytogenetic location: 9q33.3.
Variant type: single nucleotide variant.
Coding change: c.961C>T on transcript NM_001005373.4 (MANE Select); coding-DNA position 961, C replaced by T.
Protein change: p.Arg321Trp; replaces arginine 321 with tryptophan.
Molecular consequence: missense variant. On other transcripts: non-coding transcript variant (2).
Genome position (GRCh38, 1-based): chr9:127,479,896, C>T. VCF-style: chr9-127479896-C-T. GRCh37 (hg19) VCF-style: chr9-130242175-C-T.
Other names: c.961C>T, p.Arg321Trp (NM_001005374.4, NM_001190723.3, NM_001384142.1 and 2 more transcripts); c.172C>T, p.Arg58Trp (NM_001384144.1); short protein forms R321W, R58W.
Identifiers: ClinVar variation 2193870 (VCV002193870.4), dbSNP rs780605033, ClinGen allele CA5246771.
Genomic context (GRCh38, chr9:127,479,896, plus strand): 5'-CAGGAGCAGTCCCGGCTGGAGCAGGGCCTGAGTGAGCACCAGCGCCACCTCAACGCAGAG[C>T]GGCAGCGGCTGCAGGAGCAGCTGAAGCAGACGGAACAGAACATTTCCAGCCGGATCCAGA-3'
Protein context (NP_001005373.1, residues 311-331): SEHQRHLNAE[Arg321Trp]QRLQEQLKQT

ClinVar aggregate classification (germline): Uncertain significance (1 of 4 stars; one submission).

Conditions:
Charcot-Marie-Tooth disease axonal type 2P. Also called: CHARCOT-MARIE-TOOTH NEUROPATHY, TYPE 2P; Charcot-Marie-Tooth Neuropathy Type 2G; CHARCOT-MARIE-TOOTH DISEASE, AXONAL, TYPE 2G; CMT 2G. Identifiers: Orphanet 300319, Orphanet 99941, MedGen C3280797, MONDO:0013753, OMIM 614436.

Allele frequency attached by ClinVar (database versions not stated): gnomAD exomes 0.00001; TOPMed 0.00001; ExAC 0.00002.
gnomAD v4.1: 13 of 1,611,756 alleles (0.00081%); highest among the groups gnomAD compares: East Asian, 0.013%; no homozygotes.

Submission:

Labcorp Genetics (formerly Invitae), Labcorp
Classification: Uncertain significance for Charcot-Marie-Tooth disease axonal type 2P. Last evaluated: 2024-12-16. Review status: criteria provided, single submitter. Criteria: Invitae Variant Classification Sherloc (09022015). Collection method: clinical testing. Allele origin: germline.
Comment: This sequence change replaces arginine, which is basic and polar, with tryptophan, which is neutral and slightly polar, at codon 321 of the LRSAM1 protein (p.Arg321Trp). This variant is present in population databases (rs780605033, gnomAD 0.03%). This missense change has been observed in individual(s) with clinical features of autosomal recessive LRSAM1-related conditions (internal data). In at least one individual the data is consistent with being in trans (on the opposite chromosome) from a pathogenic variant. ClinVar contains an entry for this variant (Variation ID: 2193870). Invitae Evidence Modeling of protein sequence and biophysical properties (such as structural, functional, and spatial information, amino acid conservation, physicochemical variation, residue mobility, and thermodynamic stability) indicates that this missense variant is expected to disrupt LRSAM1 protein function with a positive predictive value of 80%. In summary, the available evidence is currently insufficient to determine the role of this variant in disease. Therefore, it has been classified as a Variant of Uncertain Significance.